The following is an entry in ClinVar:

ClinVar aggregate classification (germline): Uncertain significance (1 of 4 stars; one submission).

Conditions:
Tall stature-scoliosis-macrodactyly of the great toes syndrome. Also called: Epiphyseal chondrodysplasia, miura type. Identifiers: Orphanet 329191, MedGen C4014690, MONDO:0014401, OMIM 615923.
Acromesomelic dysplasia 1, Maroteaux type (AMD1). Also called: ACROMESOMELIC DYSPLASIA 1; ST. HELENA DYSPLASIA. Identifiers: Orphanet 40, MedGen C1864356, MONDO:0011275, OMIM 602875.

Allele frequency attached by ClinVar (database versions not stated): ExAC 0.00001; gnomAD exomes 0.00001; TOPMed 0.00001.
gnomAD v4.1: 20 of 1,614,238 alleles (0.0012%); highest among the groups gnomAD compares: Non-Finnish European, 0.0016%; no homozygotes.

Submission:

Labcorp Genetics (formerly Invitae), Labcorp
Classification: Uncertain significance for Tall stature-scoliosis-macrodactyly of the great toes syndrome; Acromesomelic dysplasia 1, Maroteaux type. Last evaluated: 2022-06-29. Review status: criteria provided, single submitter. Criteria: Invitae Variant Classification Sherloc (09022015). Collection method: clinical testing. Allele origin: germline.
Comment: In summary, the available evidence is currently insufficient to determine the role of this variant in disease. Therefore, it has been classified as a Variant of Uncertain Significance. Algorithms developed to predict the effect of missense changes on protein structure and function are either unavailable or do not agree on the potential impact of this missense change (SIFT: "Deleterious"; PolyPhen-2: "Benign"; Align-GVGD: "Class C65"). This variant has not been reported in the literature in individuals affected with NPR2-related conditions. This variant is present in population databases (rs762425106, gnomAD 0.002%). This sequence change replaces serine, which is neutral and polar, with arginine, which is basic and polar, at codon 721 of the NPR2 protein (p.Ser721Arg).

NM_003995.4(NPR2):c.2163T>A (p.Ser721Arg)

Gene: NPR2 (natriuretic peptide receptor 2; plus strand). Cytogenetic location: 9p13.3.
Variant type: single nucleotide variant.
Coding change: c.2163T>A on transcript NM_003995.4 (MANE Select); coding-DNA position 2163, T replaced by A.
Protein change: p.Ser721Arg; replaces serine 721 with arginine.
Molecular consequence: missense variant.
Genome position (GRCh38, 1-based): chr9:35,805,945, T>A. VCF-style: chr9-35805945-T-A. GRCh37 (hg19) VCF-style: chr9-35805942-T-A.
Other names: c.2172T>A, p.Ser724Arg (NM_001378923.1); short protein forms S721R, S724R.
Identifiers: ClinVar variation 2073169 (VCV002073169.4), dbSNP rs762425106, ClinGen allele CA5051907.